The following is an entry in ClinVar:

NM_001105206.3(LAMA4):c.2345G>C (p.Arg782Thr)

Gene: LAMA4 (laminin subunit alpha 4; minus strand). Cytogenetic location: 6q21.
Variant type: single nucleotide variant.
Coding change: c.2345G>C on transcript NM_001105206.3 (MANE Select); coding-DNA position 2345, G replaced by C.
Protein change: p.Arg782Thr; replaces arginine 782 with threonine.
Molecular consequence: missense variant.
Genome position (GRCh38, 1-based): chr6:112,148,165, C>G on the plus strand (G>C on the coding strand, the complement: LAMA4 is on the minus strand). VCF-style: chr6-112148165-C-G. GRCh37 (hg19) VCF-style: chr6-112469367-C-G.
Other names: c.2324G>C, p.Arg775Thr (NM_001105207.3, NM_002290.5); short protein forms R775T, R782T.
Identifiers: ClinVar variation 3616748 (VCV003616748.2).

ClinVar aggregate classification (germline): Uncertain significance (1 of 4 stars; one submission).

Conditions:
Dilated cardiomyopathy 1JJ (CMD1JJ). Identifiers: Orphanet 154, MedGen C3808935, MONDO:0014095, OMIM 615235.

Submission:

Labcorp Genetics (formerly Invitae), Labcorp
Classification: Uncertain significance for Dilated cardiomyopathy 1JJ. Last evaluated: 2024-10-24. Review status: criteria provided, single submitter. Criteria: Invitae Variant Classification Sherloc (09022015). Collection method: clinical testing. Allele origin: germline.
Comment: This sequence change replaces arginine, which is basic and polar, with threonine, which is neutral and polar, at codon 775 of the LAMA4 protein (p.Arg775Thr). This variant is not present in population databases (gnomAD no frequency). This variant has not been reported in the literature in individuals affected with LAMA4-related conditions. Invitae Evidence Modeling of protein sequence and biophysical properties (such as structural, functional, and spatial information, amino acid conservation, physicochemical variation, residue mobility, and thermodynamic stability) indicates that this missense variant is not expected to disrupt LAMA4 protein function with a negative predictive value of 80%. In summary, the available evidence is currently insufficient to determine the role of this variant in disease. Therefore, it has been classified as a Variant of Uncertain Significance.